The following is an entry in ClinVar:

ClinVar aggregate classification (germline): Benign/Likely benign. Review status: criteria provided, multiple submitters, no conflicts (2 of 4 stars). 6 submissions from 6 submitters: Benign (1); Likely benign (4). 1 of the submissions does not count toward it. Last evaluated 2026-01-02.

Conditions:
RAD51D-related disorder. Also called: RAD51D-related condition.
Hereditary cancer-predisposing syndrome. Also called: Neoplastic Syndromes, Hereditary; Tumor predisposition; Hereditary Cancer Syndrome; Hereditary neoplastic syndrome. Identifiers: Orphanet 140162, MedGen C0027672, MeSH D009386, MONDO:0015356.
Breast-ovarian cancer, familial, susceptibility to, 4. Identifiers: Orphanet 145, MedGen C3280345, MONDO:0013669, OMIM 614291.

Allele frequency attached by ClinVar (database versions not stated): gnomAD 0.00001; gnomAD exomes 0.00001; TOPMed 0.00002.
gnomAD v4.1: 18 of 1,614,002 alleles (0.0011%); highest among the groups gnomAD compares: Admixed American, 0.0033%; no homozygotes.

Submissions (6):

Labcorp Genetics (formerly Invitae), Labcorp
Classification: Likely benign for Breast-ovarian cancer, familial, susceptibility to, 4. Last evaluated: 2026-01-02. Review status: criteria provided, single submitter. Criteria: Invitae Variant Classification Sherloc (09022015). Collection method: clinical testing. Allele origin: germline.

Myriad Genetics, Inc.
Classification: Benign for Breast-ovarian cancer, familial, susceptibility to, 4. Last evaluated: 2025-02-21. Review status: criteria provided, single submitter. Criteria: Myriad Autosomal Dominant, Autosomal Recessive and X-Linked Classification Criteria (2023). Collection method: clinical testing. Allele origin: unknown.
Comment: This variant is considered benign. This variant is a silent/synonymous amino acid change and it is not expected to impact splicing.

Women's Health and Genetics/Laboratory Corporation of America, LabCorp
Classification: Likely benign. Last evaluated: 2023-10-21. Review status: criteria provided, single submitter. Criteria: LabCorp Variant Classification Summary - May 2015. Collection method: clinical testing. Allele origin: germline.

Ambry Genetics
Classification: Likely benign for Hereditary cancer-predisposing syndrome. Last evaluated: 2019-03-07. Review status: criteria provided, single submitter. Criteria: Ambry Variant Classification Scheme 2023. Collection method: clinical testing. Allele origin: germline.

Color Diagnostics, LLC DBA Color Health
Classification: Likely benign for Hereditary cancer-predisposing syndrome. Last evaluated: 2017-08-26. Review status: criteria provided, single submitter. Criteria: ACMG Guidelines, 2015. Collection method: clinical testing. Allele origin: germline.

PreventionGenetics, part of Exact Sciences
Classification: Likely benign for RAD51D-related condition. Last evaluated: 2024-05-16. Review status: no assertion criteria provided. Collection method: clinical testing. Allele origin: germline. Not counted in ClinVar's aggregate classification.
Comment: This variant is classified as likely benign based on ACMG/AMP sequence variant interpretation guidelines (Richards et al. 2015 PMID: 25741868, with internal and published modifications).

NM_002878.4(RAD51D):c.382C>T (p.Leu128=)

Genes: RAD51L3-RFFL (RAD51L3-RFFL readthrough; minus strand), RAD51D (RAD51 paralog D; minus strand). Cytogenetic location: 17q12.
Variant type: single nucleotide variant.
Coding change: c.382C>T on transcript NM_002878.4 (MANE Select); coding-DNA position 382, C replaced by T.
Protein change: p.Leu128=; no amino-acid change (leucine 128 retained).
Molecular consequence: synonymous variant. On other transcripts: non-coding transcript variant (1), intron variant (1).
Genome position (GRCh38, 1-based): chr17:35,107,086, G>A on the plus strand (C>T on the coding strand, the complement: RAD51D is on the minus strand). VCF-style: chr17-35107086-G-A. GRCh37 (hg19) VCF-style: chr17-33434105-G-A.
Other names: c.442C>T, p.Leu148= (NM_001142571.2); c.145-605C>T (NM_133629.3).
Identifiers: ClinVar variation 472605 (VCV000472605.20), dbSNP rs1438461174, ClinGen allele CA499731732.